The following is an entry in ClinVar:

ClinVar aggregate classification (germline): Uncertain significance (1 of 4 stars; one submission).

gnomAD v4.1: 3 of 1,612,240 alleles (0.00019%); highest among the groups gnomAD compares: African/African-American, 0.0027%; no homozygotes.

Submission:

Labcorp Genetics (formerly Invitae), Labcorp
Classification: Uncertain significance. Last evaluated: 2025-09-06. Review status: criteria provided, single submitter. Criteria: Invitae Variant Classification Sherloc (09022015). Collection method: clinical testing. Allele origin: germline.
Comment: This sequence change replaces isoleucine, which is neutral and non-polar, with valine, which is neutral and non-polar, at codon 796 of the HMCN1 protein (p.Ile796Val). This variant is present in population databases (rs758086230, gnomAD 0.007%). This variant has not been reported in the literature in individuals affected with HMCN1-related conditions. An algorithm developed to predict the effect of missense changes on protein structure and function (PolyPhen-2) suggests that this variant is likely to be disruptive. In summary, the available evidence is currently insufficient to determine the role of this variant in disease. Therefore, it has been classified as a Variant of Uncertain Significance.

NM_031935.3(HMCN1):c.2386A>G (p.Ile796Val)

Gene: HMCN1 (hemicentin 1; plus strand). Cytogenetic location: 1q31.1.
Variant type: single nucleotide variant.
Coding change: c.2386A>G on transcript NM_031935.3 (MANE Select); coding-DNA position 2386, A replaced by G.
Protein change: p.Ile796Val; replaces isoleucine 796 with valine.
Molecular consequence: missense variant.
Genome position (GRCh38, 1-based): chr1:185,977,801, A>G. VCF-style: chr1-185977801-A-G. GRCh37 (hg19) VCF-style: chr1-185946933-A-G.
Other names: short protein forms I796V.
Identifiers: ClinVar variation 4753925 (VCV004753925.1).